The following is an entry in ClinVar:

ClinVar aggregate classification (germline): Likely benign (1 of 4 stars; one submission).

gnomAD v4.1: 4 of 1,613,584 alleles (0.00025%); highest among the groups gnomAD compares: Non-Finnish European, 0.00034%; no homozygotes.

Submission:

CeGaT Center for Human Genetics Tuebingen
Classification: Likely benign. Last evaluated: 2024-07-01. Review status: criteria provided, single submitter. Criteria: CeGaT Center For Human Genetics Tuebingen Variant Classification Criteria Version 2. Collection method: clinical testing. Allele origin: germline. Affected: yes. Observed: 1 variant allele.
Comment: ITPR1: BP4, BP7

NM_001378452.1(ITPR1):c.1341T>C (p.Asn447=)

Gene: ITPR1 (inositol 1,4,5-trisphosphate receptor type 1; plus strand). Cytogenetic location: 3p26.1.
Variant type: single nucleotide variant.
Coding change: c.1341T>C on transcript NM_001378452.1 (MANE Select); coding-DNA position 1341, T replaced by C.
Protein change: p.Asn447=; no amino-acid change (asparagine 447 retained).
Molecular consequence: synonymous variant.
Genome position (GRCh38, 1-based): chr3:4,662,171, T>C. VCF-style: chr3-4662171-T-C. GRCh37 (hg19) VCF-style: chr3-4703855-T-C.
Other names: c.1341T>C, p.Asn447= (NM_001099952.4); c.1296T>C, p.Asn432= (NM_001168272.2, NM_002222.7).
Identifiers: ClinVar variation 3257050 (VCV003257050.17).